The following is an entry in ClinVar:

NM_000540.3(RYR1):c.1099C>T (p.Arg367Trp)

Gene: RYR1 (ryanodine receptor 1; plus strand). Cytogenetic location: 19q13.2.
Variant type: single nucleotide variant.
Coding change: c.1099C>T on transcript NM_000540.3 (MANE Select); coding-DNA position 1099, C replaced by T.
Protein change: p.Arg367Trp; replaces arginine 367 with tryptophan.
Molecular consequence: missense variant.
Genome position (GRCh38, 1-based): chr19:38,448,790, C>T. VCF-style: chr19-38448790-C-T. GRCh37 (hg19) VCF-style: chr19-38939430-C-T.
Other names: c.1099C>T, p.Arg367Trp (NM_001042723.2); short protein forms R367W.
Identifiers: ClinVar variation 224364 (VCV000224364.47), dbSNP rs140037232, ClinGen allele CA055551.

ClinVar aggregate classification (germline): Conflicting classifications of pathogenicity. Review status: criteria provided, conflicting classifications (1 of 4 stars). 7 submissions from 7 submitters: Likely pathogenic (2); Uncertain significance (5). Last evaluated 2026-05-07.

Conditions:
RYR1-related disorder. Also called: RYR1-related condition; RYR1-related disorders. Identifiers: MedGen CN239331.
Malignant hyperthermia, susceptibility to, 1 (MHS1). Also called: RYR1-Related Malignant Hyperthermia Susceptibility; Malignant hyperthermia suceptibility 1; Anesthesia related hyperthermia; Malignant hyperpyrexia; Fulminating hyperpyrexia; Pharmacogenic myopathy. Identifiers: Orphanet 423, MedGen C2930980, MONDO:0007783, OMIM 145600.

Allele frequency attached by ClinVar (database versions not stated): gnomAD exomes 0.00002; gnomAD 0.00003; ExAC 0.00004; TOPMed 0.00005; ESP Exome Variant Server 0.00015.
gnomAD v4.1: 40 of 1,614,076 alleles (0.0025%); highest among the groups gnomAD compares: African/African-American, 0.0053%; no homozygotes.

Submissions (7):

GeneDx
Classification: Likely pathogenic. Last evaluated: 2026-05-07. Review status: criteria provided, single submitter. Criteria: GeneDx Variant Classification Process June 2021. Collection method: clinical testing. Allele origin: germline.
Comment: Reported previously in an individual who did not have a personal or family history of a RYR1-related disorder (PMID: 24195946); In silico analysis supports that this missense variant has a deleterious effect on protein structure/function; Not observed at significant frequency in large population cohorts (gnomAD); This variant is associated with the following publications: (PMID: 24195946, 21965348, 33767344)

Labcorp Genetics (formerly Invitae), Labcorp
Classification: Likely pathogenic for RYR1-related disorder. Last evaluated: 2025-12-23. Review status: criteria provided, single submitter. Criteria: Invitae Variant Classification Sherloc (09022015). Collection method: clinical testing. Allele origin: germline.
Comment: This sequence change replaces arginine, which is basic and polar, with tryptophan, which is neutral and slightly polar, at codon 367 of the RYR1 protein (p.Arg367Trp). This variant is present in population databases (rs140037232, gnomAD 0.008%). This variant has not been reported in the literature in individuals affected with RYR1-related conditions. ClinVar contains an entry for this variant (Variation ID: 224364). Invitae Evidence Modeling of protein sequence and biophysical properties (such as structural, functional, and spatial information, amino acid conservation, physicochemical variation, residue mobility, and thermodynamic stability) indicates that this missense variant is expected to disrupt RYR1 protein function with a positive predictive value of 80%. This variant disrupts the p.Arg367 amino acid residue in RYR1. Other variant(s) that disrupt this residue have been determined to be pathogenic (PMID: 16835904, 21965348). This suggests that this residue is clinically significant, and that variants that disrupt this residue are likely to be disease-causing. In summary, the currently available evidence indicates that the variant is pathogenic, but additional data are needed to prove that conclusively. Therefore, this variant has been classified as Likely Pathogenic.

All of Us Research Program, National Institutes of Health
Classification: Uncertain significance for Malignant hyperthermia, susceptibility to, 1. Last evaluated: 2024-05-30. Review status: criteria provided, single submitter. Criteria: ACMG Guidelines, 2015. Collection method: clinical testing. Allele origin: germline. Inheritance: Autosomal dominant inheritance. Observed: 18 variant alleles, 18 heterozygotes.
Comment: This missense variant replaces arginine with tryptophan at codon 367 of the RYR1 protein. Computational prediction is inconclusive regarding the impact of this variant on protein structure and function (internally defined REVEL score threshold 0.5 < inconclusive < 0.7, PMID: 27666373). To our knowledge, functional studies have not been reported for this variant. This variant has not been reported in individuals affected with RYR1-related disorders in the literature. This variant has been identified in 7/282524 chromosomes in the general population by the Genome Aggregation Database (gnomAD). The available evidence is insufficient to determine the role of this variant in disease conclusively. Therefore, this variant is classified as a Variant of Uncertain Significance.

This study involves interpretation of variants in research participants for the purpose of population health screening. Participant phenotype was not available at the time of variant classification. Additional details can be found in publication PMID: 35346344, PMCID: PMC8962531

Color Diagnostics, LLC DBA Color Health
Classification: Uncertain significance for Malignant hyperthermia, susceptibility to, 1. Last evaluated: 2024-02-02. Review status: criteria provided, single submitter. Criteria: ACMG Guidelines, 2015. Collection method: clinical testing. Allele origin: germline.
Comment: This missense variant replaces arginine with tryptophan at codon 367 of the RYR1 protein. Computational prediction is inconclusive regarding the impact of this variant on protein structure and function. To our knowledge, functional studies have not been reported for this variant. This variant has not been reported in individuals affected with RYR1-related disorders in the literature. This variant has been identified in 7/282524 chromosomes in the general population by the Genome Aggregation Database (gnomAD). The available evidence is insufficient to determine the role of this variant in disease conclusively. Therefore, this variant is classified as a Variant of Uncertain Significance.

MGZ Medical Genetics Center
Classification: Uncertain significance for Malignant hyperthermia, susceptibility to, 1. Last evaluated: 2021-07-20. Review status: criteria provided, single submitter. Criteria: ACMG Guidelines, 2015. Collection method: clinical testing. Allele origin: germline. Affected: yes. Observed: 1 variant allele.
Comment: ACMG criteria applied: PM2_SUP

CeGaT Center for Human Genetics Tuebingen
Classification: Uncertain significance. Last evaluated: 2021-07-01. Review status: criteria provided, single submitter. Criteria: CeGaT Center For Human Genetics Tuebingen Variant Classification Criteria Version 2. Collection method: clinical testing. Allele origin: germline. Affected: yes. Observed: 1 variant allele.

Biesecker Lab/Clinical Genomics Section, National Institutes of Health
Classification: Uncertain significance for Malignant hyperthermia, susceptibility to, 1. Last evaluated: 2013-07-01. Review status: criteria provided, single submitter. Criteria: Gonsalves et al. 2013. Collection method: research. Allele origin: unknown. Observed: 1 variant allele. Study: ClinSeq.
Comment: The study set was not selected for affection status in relation to any myopathy. Pathogenicity categories were based on literature curation. See Pubmed ID: 24195946 for details.

Literature cited by the submitters: PubMed 16835904 (cited by Labcorp Genetics (formerly Invitae), Labcorp); PubMed 21965348 (cited by Labcorp Genetics (formerly Invitae), Labcorp).